The following is an entry in ClinVar:

NM_014244.5(ADAMTS2):c.78_79insATTT (p.Leu27fs)

Gene: ADAMTS2 (ADAM metallopeptidase with thrombospondin type 1 motif 2; minus strand). Cytogenetic location: 5q35.3.
Variant type: Insertion.
Coding change: c.78_79insATTT on transcript NM_014244.5 (MANE Select); coding-DNA positions 78 to 79, ATTT inserted.
Protein change: p.Leu27fs; shifts the reading frame from leucine 27.
Molecular consequence: frameshift variant.
Genome position: GRCh38 VCF-style: chr5-179345250-G-GAAAT. GRCh37 (hg19) VCF-style: chr5-178772251-G-GAAAT.
Other names: c.78_79insATTT, p.Leu27fs (NM_021599.4); short protein forms L27fs.
Identifiers: ClinVar variation 5010437 (VCV005010437.1).

ClinVar aggregate classification (germline): Pathogenic (1 of 4 stars; one submission).

Conditions:
Ehlers-Danlos syndrome, dermatosparaxis type. Also called: EDS VIIC; Dermatosparaxis; Ehlers-Danlos syndrome, type VII, autosomal recessive. Identifiers: Orphanet 1901, MedGen C2700425, MONDO:0009161, OMIM 225410.

Submission:

Myriad Genetics, Inc.
Classification: Pathogenic for Ehlers-Danlos syndrome, dermatosparaxis type. Last evaluated: 2024-05-14. Review status: criteria provided, single submitter. Criteria: Myriad Autosomal Dominant, Autosomal Recessive and X-Linked Classification Criteria (2023). Collection method: clinical testing. Allele origin: unknown.
Comment: NM_014244.4(ADAMTS2):c.78_79insATTT(L27Ifs*40) is expected to be pathogenic in the context of Ehlers-Danlos syndrome, ADAMTS2-related. This variant is predicted to lead to an abnormal or absent protein product due to the creation of a premature termination codon in ADAMTS2, a gene where loss-of-function variants are known to be pathogenic. Please note: this variant was assessed in the context of healthy population screening.